The following is an entry in ClinVar:

ClinVar aggregate classification (germline): Uncertain significance (0 of 4 stars; one submission).

Conditions:
FN1-related disorder. Also called: FN1-related condition.

gnomAD v4.1: 43 of 1,614,040 alleles (0.0027%); highest among the groups gnomAD compares: Non-Finnish European, 0.0036%; no homozygotes.

Submission:

PreventionGenetics, part of Exact Sciences
Classification: Uncertain significance for FN1-related condition. Last evaluated: 2024-04-03. Review status: no assertion criteria provided. Collection method: clinical testing. Allele origin: germline.
Comment: The FN1 c.4311G>C variant is predicted to result in the amino acid substitution p.Glu1437Asp. To our knowledge, this variant has not been reported in the literature or in a large population database, indicating this variant is rare. At this time, the clinical significance of this variant is uncertain due to the absence of conclusive functional and genetic evidence.

NM_212482.4(FN1):c.4311G>C (p.Glu1437Asp)

Gene: FN1 (fibronectin 1; minus strand). Cytogenetic location: 2q35.
Variant type: single nucleotide variant.
Coding change: c.4311G>C on transcript NM_212482.4 (MANE Select); coding-DNA position 4311, G replaced by C.
Protein change: p.Glu1437Asp; replaces glutamic acid 1437 with aspartic acid.
Molecular consequence: missense variant.
Genome position (GRCh38, 1-based): chr2:215,388,243, C>G on the plus strand (G>C on the coding strand, the complement: FN1 is on the minus strand). VCF-style: chr2-215388243-C-G. GRCh37 (hg19) VCF-style: chr2-216252966-C-G.
Other names: c.4311G>C, p.Glu1437Asp (NM_001306129.2, NM_001306130.2, NM_001365517.2 and 3 more transcripts); c.4038G>C, p.Glu1346Asp (NM_001306131.2, NM_001306132.2, NM_001365518.2 and 7 more transcripts); short protein forms E1346D, E1437D.
Identifiers: ClinVar variation 3346022 (VCV003346022.1).
Genomic context (GRCh38, chr2:215,388,243, plus strand): 5'-TGGATAGTCATACTGCCAACACCACTCACCTGTTTTCTGTCTTCCTCTAAGAGGTGTGCT[C>G]TCATGTTGTTCGTAGACACTGGAGACACTCACTACATATTCTGTACCAGGCAGGAGATCT-3'
Protein context (NP_997647.2, residues 1427-1447): VSVSSVYEQH[Glu1437Asp]STPLRGRQKT